The following is an entry in ClinVar:

NM_021167.5(GATAD1):c.241G>A (p.Gly81Ser)

Genes: GATAD1 (GATA zinc finger domain containing 1; plus strand), LOC129998793 (ATAC-STARR-seq lymphoblastoid silent region 18371; plus strand). Cytogenetic location: 7q21.2.
Variant type: single nucleotide variant.
Coding change: c.241G>A on transcript NM_021167.5 (MANE Select); coding-DNA position 241, G replaced by A.
Protein change: p.Gly81Ser; replaces glycine 81 with serine.
Molecular consequence: missense variant. On other transcripts: non-coding transcript variant (1).
Genome position (GRCh38, 1-based): chr7:92,447,970, G>A. VCF-style: chr7-92447970-G-A. GRCh37 (hg19) VCF-style: chr7-92077284-G-A.
Other names: short protein forms G81S.
Identifiers: ClinVar variation 953858 (VCV000953858.10), dbSNP rs1789230677, ClinGen allele CA368155972.
Genomic context (GRCh38, chr7:92,447,970, plus strand): 5'-GGCGCGGCGACCTTCGCCAGCACCTCCGCCACCCCTCCGCAGAGCAACGGGGGCGGGGGC[G>A]GCAAGCAGGTGAGCTCCTCCGGCCCCTCCCGCCGGCGGAGGCCGACCAGGTGCTAGGCGG-3'
Protein context (NP_066990.3, residues 71-91): TPPQSNGGGG[Gly81Ser]KQSKQEIHRR

ClinVar aggregate classification (germline): Uncertain significance (1 of 4 stars; one submission).

Conditions:
Dilated cardiomyopathy 2B. Identifiers: Orphanet 154, MedGen C3553409, MONDO:0013848, OMIM 614672.

Allele frequency attached by ClinVar (database versions not stated): gnomAD exomes below 0.00001.
gnomAD v4.1: 2 of 1,222,480 alleles (0.00016%); highest among the groups gnomAD compares: Non-Finnish European, 0.0002%; no homozygotes.

Submission:

Labcorp Genetics (formerly Invitae), Labcorp
Classification: Uncertain significance for Dilated cardiomyopathy 2B. Last evaluated: 2022-01-16. Review status: criteria provided, single submitter. Criteria: Invitae Variant Classification Sherloc (09022015). Collection method: clinical testing. Allele origin: germline.
Comment: Algorithms developed to predict the effect of missense changes on protein structure and function (SIFT, PolyPhen-2, Align-GVGD) all suggest that this variant is likely to be tolerated. ClinVar contains an entry for this variant (Variation ID: 953858). This variant has not been reported in the literature in individuals affected with GATAD1-related conditions. This variant is not present in population databases (gnomAD no frequency). This sequence change replaces glycine, which is neutral and non-polar, with serine, which is neutral and polar, at codon 81 of the GATAD1 protein (p.Gly81Ser). In summary, the available evidence is currently insufficient to determine the role of this variant in disease. Therefore, it has been classified as a Variant of Uncertain Significance.